The following is an entry in ClinVar:

NM_001008537.3(NEXMIF):c.3595_3611del (p.Lys1199fs)

Gene: NEXMIF (neurite extension and migration factor; minus strand). Cytogenetic location: Xq13.3.
Variant type: Deletion.
Coding change: c.3595_3611del on transcript NM_001008537.3 (MANE Select); coding-DNA positions 3595 to 3611, 17 bases deleted (AAATCCCTCAAAGGTAA).
Protein change: p.Lys1199fs; shifts the reading frame from lysine 1199.
Molecular consequence: frameshift variant.
Genome position (GRCh38, 1-based): chrX:74,740,946-74,740,962, TTACCTTTGAGGGATTT deleted on the plus strand (AAATCCCTCAAAGGTAA on the coding strand, the reverse complement: NEXMIF is on the minus strand); deleting any 17 consecutive bases within chrX:74,740,946-74,740,964 gives the same sequence; the c. name uses the placement nearest the transcript's 3' end. VCF-style (leftmost placement, unchanged base first): chrX-74740945-GTTACCTTTGAGGGATTT-G. GRCh37 (hg19) VCF-style: chrX-73960780-GTTACCTTTGAGGGATTT-G.
Other names: c.3595_3611delAAATCCCTCAAAGGTAA (NM_001008537.2); c.3595_3611del (NM_001008537.2); short protein forms K1199fs.
Identifiers: ClinVar variation 474070 (VCV000474070.10), dbSNP rs1556016292, ClinGen allele CA658659014.

ClinVar aggregate classification (germline): Pathogenic (1 of 4 stars; one submission).

Conditions:
X-linked intellectual disability, Cantagrel type (XLID98). Also called: INTELLECTUAL DEVELOPMENTAL DISORDER, X-LINKED 98. Identifiers: Orphanet 85277, MedGen C3806730, MONDO:0010483, OMIM 300912.

Submission:

Labcorp Genetics (formerly Invitae), Labcorp
Classification: Pathogenic. Last evaluated: 2019-06-26. Review status: criteria provided, single submitter. Criteria: Invitae Variant Classification Sherloc (09022015). Collection method: clinical testing. Allele origin: germline.
Comment: This sequence change creates a premature translational stop signal (p.Lys1199Glnfs*5) in the KIAA2022 gene. It is expected to result in an absent or disrupted protein product. This variant is not present in population databases (ExAC no frequency). This variant has not been reported in the literature in individuals with KIAA2022-related disease. Loss-of-function variants in KIAA2022 are known to be pathogenic (PMID: 23615299). For these reasons, this variant has been classified as Pathogenic.

Literature cited by the submitters: PubMed 23615299 (cited by Labcorp Genetics (formerly Invitae), Labcorp).